The following is an entry in ClinVar:

ClinVar aggregate classification (germline): Uncertain significance (1 of 4 stars; one submission).

gnomAD v4.1: 32 of 1,614,086 alleles (0.002%); highest among the groups gnomAD compares: Non-Finnish European, 0.0026%; no homozygotes.

Submission:

Athena Diagnostics
Classification: Uncertain significance. Last evaluated: 2025-03-26. Review status: criteria provided, single submitter. Criteria: Athena Diagnostics Criteria. Collection method: clinical testing. Allele origin: unknown.
Comment: Available data are insufficient to determine the clinical significance of the variant at this time. The frequency of this variant in the general population is higher than would generally be expected for pathogenic variants in this gene. Polyphen and MutationTaster predict this amino acid change may be benign.

NM_173500.4(TTBK2):c.1820A>G (p.Asp607Gly)

Gene: TTBK2 (tau tubulin kinase 2; minus strand). Cytogenetic location: 15q15.2.
Variant type: single nucleotide variant.
Coding change: c.1820A>G on transcript NM_173500.4 (MANE Select); coding-DNA position 1820, A replaced by G.
Protein change: p.Asp607Gly; replaces aspartic acid 607 with glycine.
Molecular consequence: missense variant.
Genome position (GRCh38, 1-based): chr15:42,775,313, T>C on the plus strand (A>G on the coding strand, the complement: TTBK2 is on the minus strand). VCF-style: chr15-42775313-T-C. GRCh37 (hg19) VCF-style: chr15-43067511-T-C.
Other names: short protein forms D607G.
Identifiers: ClinVar variation 4682210 (VCV004682210.1).
Genomic context (GRCh38, chr15:42,775,313, plus strand): 5'-GTAGGAGGACCCTCTGCAGAAAGTGCTAAGACCACACCTGAGGTTTCCTTCTTTAAATGA[T>C]CATTTTCTGCCCAAGGACCTAACTGGAGCTTTTCATCTTGAGGTGATGCCTCCAGGACTT-3'
Protein context (NP_775771.3, residues 597-617): KLQLGPWAEN[Asp607Gly]HLKKETSGVV